The following is an entry in ClinVar:

NM_005633.4(SOS1):c.2167+6T>G

Gene: SOS1 (SOS Ras/Rac guanine nucleotide exchange factor 1; minus strand). Cytogenetic location: 2p22.1.
Variant type: single nucleotide variant.
Coding change: c.2167+6T>G on transcript NM_005633.4 (MANE Select); 6 bases into the intron after coding-DNA position 2167, T replaced by G.
Molecular consequence: intron variant.
Genome position (GRCh38, 1-based): chr2:39,013,454, A>C on the plus strand (T>G on the coding strand, the complement: SOS1 is on the minus strand). VCF-style: chr2-39013454-A-C. GRCh37 (hg19) VCF-style: chr2-39240595-A-C.
Other names: p.?; c.2146+6T>G (NM_001382394.1); c.2167+6T>G (NM_001382395.1).
Identifiers: ClinVar variation 45350 (VCV000045350.32), dbSNP rs186640807, ClinGen allele CA136097.
Genomic context (GRCh38, chr2:39,013,454, plus strand): 5'-ATTGATAGTCACCGTGTTGGTACTTTTATTACATATAAAACTAGGCACCTAAAAAAAAAA[A>C]CATACCTCTTACTGTTCCAATAAATTCTTCCATTCGTTGCAAAAGATATGCATCTCTTTC-3'

ClinVar aggregate classification (germline): Benign. Review status: reviewed by expert panel (3 of 4 stars). 13 submissions from 12 submitters: Benign (1). 12 of the submissions do not count toward it. Last evaluated 2017-04-18.

Conditions:
Noonan syndrome and Noonan-related syndrome. Identifiers: Orphanet 98733, MedGen C5681679, MONDO:0020297.
RASopathy. Also called: rasopathies; Noonan spectrum disorder. Identifiers: Orphanet 536391, MedGen C5555857, MONDO:0021060.
Noonan syndrome 4 (NS4). Also called: SOS1-Related Noonan Syndrome; NOONAN SYNDROME WITH PIGMENTED VILLONODULAR SYNOVITIS. Identifiers: Orphanet 648, MedGen C1853120, MONDO:0012547, OMIM 610733.
Fibromatosis, gingival, 1 (GINGF1). Identifiers: Orphanet 2024, MedGen C4551558, MONDO:0007609, OMIM 135300.

Allele frequency attached by ClinVar (database versions not stated): ExAC 0.00149; gnomAD 0.00510 and 0.00472; 1000 Genomes Project 30x 0.00500; TOPMed 0.00535; ESP Exome Variant Server 0.00169; 1000 Genomes Project 0.00419.
gnomAD v4.1: 1,358 of 1,570,590 alleles (0.086%); highest among the groups gnomAD compares: African/African-American, 1.7%; 11 homozygotes.

Submissions (14):

ClinGen RASopathy Variant Curation Expert Panel
Classification: Benign for Noonan syndrome and Noonan-related syndrome. Last evaluated: 2017-04-18. Review status: reviewed by expert panel. Criteria: ClinGen RASopathy ACMG Specifications v1. Collection method: curation. Allele origin: germline. Inheritance: Autosomal dominant inheritance.
Comment: The filtering allele frequency of the c.2167+6T>G variant in the SOS1 gene is 1.442% (169/10278) of African chromosomes by the Exome Aggregation Consortium, which is a high enough frequency to be classified as benign based on thresholds defined by the ClinGen RASopathy Expert Panel (BA1; PMID:29493581)

Labcorp Genetics (formerly Invitae), Labcorp
Classification: Benign for RASopathy. Last evaluated: 2026-02-03. Review status: criteria provided, single submitter. Criteria: Invitae Variant Classification Sherloc (09022015). Collection method: clinical testing. Allele origin: germline. Not counted in ClinVar's aggregate classification.

ARUP Laboratories, Molecular Genetics and Genomics, ARUP Laboratories
Classification: Benign. Last evaluated: 2025-06-18. Review status: criteria provided, single submitter. Criteria: ARUP Molecular Germline Variant Investigation Process 2024. Collection method: clinical testing. Allele origin: germline. Not counted in ClinVar's aggregate classification.

Blueprint Genetics
Classification: Likely benign. Last evaluated: 2024-10-18. Review status: criteria provided, single submitter. Criteria: ACMG Guidelines, 2015. Collection method: clinical testing. Allele origin: germline. Not counted in ClinVar's aggregate classification.

Genome Diagnostics Laboratory, The Hospital for Sick Children
Classification: Benign for Noonan syndrome and Noonan-related syndrome. Last evaluated: 2020-07-01. Review status: criteria provided, single submitter. Criteria: ACMG Guidelines, 2015. Collection method: clinical testing. Allele origin: germline. Not counted in ClinVar's aggregate classification.

Illumina Laboratory Services, Illumina
Classification: Likely benign for Noonan syndrome 4. Last evaluated: 2018-01-12. Review status: criteria provided, single submitter. Criteria: ICSL Variant Classification Criteria 13 December 2019. Collection method: clinical testing. Allele origin: germline. Not counted in ClinVar's aggregate classification.
Comment: This variant was observed in the ICSL laboratory as part of a predisposition screen in an ostensibly healthy population. It had not been previously curated by ICSL or reported in the Human Gene Mutation Database (HGMD: prior to June 1st, 2018), and was therefore a candidate for classification through an automated scoring system. Utilizing variant allele frequency, disease prevalence and penetrance estimates, and inheritance mode, an automated score was calculated to assess if this variant is too frequent to cause the disease. Based on the score and internal cut-off values, a variant classified as likely benign is not then subjected to further curation. The score for this variant resulted in a classification of likely benign for this disease.

Illumina Laboratory Services, Illumina
Classification: Benign for Fibromatosis, gingival, 1. Last evaluated: 2018-01-12. Review status: criteria provided, single submitter. Criteria: ICSL Variant Classification Criteria 13 December 2019. Collection method: clinical testing. Allele origin: germline. Not counted in ClinVar's aggregate classification.
Comment: This variant was observed in the ICSL laboratory as part of a predisposition screen in an ostensibly healthy population. It had not been previously curated by ICSL or reported in the Human Gene Mutation Database (HGMD: prior to June 1st, 2018), and was therefore a candidate for classification through an automated scoring system. Utilizing variant allele frequency, disease prevalence and penetrance estimates, and inheritance mode, an automated score was calculated to assess if this variant is too frequent to cause the disease. Based on the score and internal cut-off values, a variant classified as benign is not then subjected to further curation. The score for this variant resulted in a classification of benign for this disease.

Center for Pediatric Genomic Medicine, Children's Mercy Hospital and Clinics
Classification: Likely benign. Last evaluated: 2017-08-22. Review status: criteria provided, single submitter. Criteria: ACMG Guidelines, 2015. Collection method: clinical testing. Allele origin: germline. Not counted in ClinVar's aggregate classification.

Mayo Clinic Laboratories, Mayo Clinic
Classification: Benign. Last evaluated: 2016-11-25. Review status: criteria provided, single submitter. Criteria: ACMG Guidelines, 2015. Collection method: clinical testing. Allele origin: germline. Observed: 6 variant alleles. Not counted in ClinVar's aggregate classification.

GeneDx
Classification: Benign. Last evaluated: 2013-10-15. Review status: criteria provided, single submitter. Criteria: GeneDx Variant Classification (06012015). Collection method: clinical testing. Allele origin: germline. Affected: yes. Not counted in ClinVar's aggregate classification.
Comment: This variant is considered likely benign or benign based on one or more of the following criteria: it is a conservative change, it occurs at a poorly conserved position in the protein, it is predicted to be benign by multiple in silico algorithms, and/or has population frequency not consistent with disease.

Laboratory for Molecular Medicine, Mass General Brigham Personalized Medicine
Classification: Benign. Last evaluated: 2009-06-26. Review status: criteria provided, single submitter. Criteria: LMM Criteria. Collection method: clinical testing. Allele origin: germline. Observed: 7 variant alleles. Not counted in ClinVar's aggregate classification.

Clinical Genetics, Academic Medical Center
Classification: Benign. Review status: no assertion criteria provided. Collection method: clinical testing. Allele origin: germline. Affected: yes. Study: VKGL Data-share Consensus. Not counted in ClinVar's aggregate classification.

Dr. Peter K. Rogan Lab, Western University
No classification provided (evidence only). Condition: Acute myeloid leukemia. Review status: no classification provided. Collection method: in vitro. Allele origin: not applicable. Functional consequence: retained intron. Not counted in ClinVar's aggregate classification.

Laboratory of Diagnostic Genome Analysis, Leiden University Medical Center (LUMC)
Classification: Likely benign. Review status: no assertion criteria provided. Collection method: clinical testing. Allele origin: germline. Affected: yes. Study: VKGL Data-share Consensus. Not counted in ClinVar's aggregate classification.